The following is an entry in ClinVar:

NM_000113.3(TOR1A):c.778C>T (p.Arg260Trp)

Gene: TOR1A (torsin family 1 member A; minus strand). Cytogenetic location: 9q34.11.
Variant type: single nucleotide variant.
Coding change: c.778C>T on transcript NM_000113.3 (MANE Select); coding-DNA position 778, C replaced by T.
Protein change: p.Arg260Trp; replaces arginine 260 with tryptophan.
Molecular consequence: missense variant.
Genome position (GRCh38, 1-based): chr9:129,814,193, G>A on the plus strand (C>T on the coding strand, the complement: TOR1A is on the minus strand). VCF-style: chr9-129814193-G-A. GRCh37 (hg19) VCF-style: chr9-132576472-G-A.
Other names: c.778C>T (NM_000113.2); short protein forms R260W.
Identifiers: ClinVar variation 1395430 (VCV001395430.8), dbSNP rs771932392, ClinGen allele CA5278535.

ClinVar aggregate classification (germline): Uncertain significance. Review status: criteria provided, multiple submitters, no conflicts (2 of 4 stars). 3 submissions from 3 submitters: Uncertain significance (3). Last evaluated 2025-09-28.

Conditions:
Inborn genetic diseases. Identifiers: MedGen C0950123, MeSH D030342.
Dystonic disorder. Also called: Dystonia. Identifiers: MedGen C0013421, MONDO:0003441, HP:0001332.

Allele frequency attached by ClinVar (database versions not stated): gnomAD exomes 0.00002; gnomAD 0.00002; TOPMed 0.00003; ExAC 0.00002.
gnomAD v4.1: 26 of 1,613,950 alleles (0.0016%); highest among the groups gnomAD compares: South Asian, 0.0044%; no homozygotes.

Submissions (3):

Labcorp Genetics (formerly Invitae), Labcorp
Classification: Uncertain significance for Dystonic disorder. Last evaluated: 2025-09-28. Review status: criteria provided, single submitter. Criteria: Invitae Variant Classification Sherloc (09022015). Collection method: clinical testing. Allele origin: germline.
Comment: This sequence change replaces arginine, which is basic and polar, with tryptophan, which is neutral and slightly polar, at codon 260 of the TOR1A protein (p.Arg260Trp). This variant is present in population databases (rs771932392, gnomAD 0.009%). This variant has not been reported in the literature in individuals affected with TOR1A-related conditions. ClinVar contains an entry for this variant (Variation ID: 1395430). Invitae Evidence Modeling of protein sequence and biophysical properties (such as structural, functional, and spatial information, amino acid conservation, physicochemical variation, residue mobility, and thermodynamic stability) indicates that this missense variant is expected to disrupt TOR1A protein function with a positive predictive value of 80%. In summary, the available evidence is currently insufficient to determine the role of this variant in disease. Therefore, it has been classified as a Variant of Uncertain Significance.

Ambry Genetics
Classification: Uncertain significance for Inborn genetic diseases. Last evaluated: 2024-11-07. Review status: criteria provided, single submitter. Criteria: Ambry Variant Classification Scheme 2023. Collection method: clinical testing. Allele origin: germline.

Breakthrough Genomics
Classification: Uncertain significance. Review status: criteria provided, single submitter. Criteria: ACMG Guidelines, 2015. Collection method: not provided. Allele origin: germline. Inheritance: Autosomal recessive inheritance. Affected: yes.